The following is an entry in ClinVar:

ClinVar aggregate classification (germline): Benign/Likely benign. Review status: criteria provided, multiple submitters, no conflicts (2 of 4 stars). 3 submissions from 3 submitters: Benign (2); Likely benign (1). Last evaluated 2024-10-18.

Conditions:
Occult macular dystrophy (OCMD). Also called: OCCULT MACULAR DYSTROPHY, SUSCEPTIBILITY TO; OMD. Identifiers: Orphanet 247834, MedGen C3150833, MONDO:0013316, OMIM 613587, HP:0030636.
RP1L1-related disorder. Also called: RP1L1-related condition.

Allele frequency attached by ClinVar (database versions not stated): gnomAD exomes 0.00018 and 0.00047; ExAC 0.00065; ESP Exome Variant Server 0.00163; gnomAD 0.00180 and 0.00194; TOPMed 0.00187; 1000 Genomes Project 30x 0.00219; 1000 Genomes Project 0.00240.

Submissions (4):

PreventionGenetics, part of Exact Sciences
Classification: Benign for RP1L1-related condition. Last evaluated: 2024-10-18. Review status: criteria provided, single submitter. Criteria: ACMG Guidelines, 2015. Collection method: clinical testing. Allele origin: germline.
Comment: This variant is classified as benign based on ACMG/AMP sequence variant interpretation guidelines (Richards et al. 2015 PMID: 25741868, with internal and published modifications).

Blueprint Genetics
Classification: Likely benign. Last evaluated: 2024-10-07. Review status: criteria provided, single submitter. Criteria: ACMG Guidelines, 2015. Collection method: clinical testing. Allele origin: germline.

Illumina Laboratory Services, Illumina
Classification: Benign for Occult macular dystrophy. Last evaluated: 2018-01-13. Review status: criteria provided, single submitter. Criteria: ICSL Variant Classification Criteria 13 December 2019. Collection method: clinical testing. Allele origin: germline.
Comment: This variant was observed in the ICSL laboratory as part of a predisposition screen in an ostensibly healthy population. It had not been previously curated by ICSL or reported in the Human Gene Mutation Database (HGMD: prior to June 1st, 2018), and was therefore a candidate for classification through an automated scoring system. Utilizing variant allele frequency, disease prevalence and penetrance estimates, and inheritance mode, an automated score was calculated to assess if this variant is too frequent to cause the disease. Based on the score and internal cut-off values, a variant classified as benign is not then subjected to further curation. The score for this variant resulted in a classification of benign for this disease.

Dr. Peter K. Rogan Lab, Western University
No classification provided (evidence only). Condition: Hepatocellular carcinoma. Review status: no classification provided. Collection method: in vitro. Allele origin: not applicable. Functional consequence: retained intron. Not counted in ClinVar's aggregate classification.

NM_178857.6(RP1L1):c.4797G>T (p.Leu1599=)

Gene: RP1L1 (RP1 like 1). Cytogenetic location: 8p23.1.
Variant type: single nucleotide variant.
Coding change: c.4797G>T on transcript NM_178857.6 (MANE Select); coding-DNA position 4797, G replaced by T.
Protein change: p.Leu1599=; no amino-acid change (leucine 1599 retained).
Molecular consequence: synonymous variant.
Genome position (GRCh38, 1-based): chr8:10,609,301, C>A on the plus strand (G>T on the coding strand, the complement: RP1L1 is on the minus strand). VCF-style: chr8-10609301-C-A. GRCh37 (hg19) VCF-style: chr8-10466811-C-A.
Other names: NC_000008.10:g.10466811C>A.
Identifiers: ClinVar variation 361265 (VCV000361265.8), dbSNP rs368140961, ClinGen allele CA4623885.